The following is an entry in ClinVar:

ClinVar aggregate classification (germline): Pathogenic (1 of 4 stars; one submission).

Conditions:
Hereditary cancer-predisposing syndrome. Also called: Hereditary Cancer Syndrome; Neoplastic Syndromes, Hereditary; Hereditary neoplastic syndrome; Tumor predisposition. Identifiers: Orphanet 140162, MedGen C0027672, MeSH D009386, MONDO:0015356.

Submission:

Ambry Genetics
Classification: Pathogenic for Hereditary cancer-predisposing syndrome. Last evaluated: 2016-03-28. Review status: criteria provided, single submitter. Criteria: Ambry Variant Classification Scheme 2023. Collection method: clinical testing. Allele origin: germline.
Comment: The c.358delA pathogenic mutation, located in coding exon 2 of the VHL gene, results from a deletion of one nucleotide at nucleotide position 358, causing a translational frameshift with a predicted alternate stop codon. Since frameshifts are typically deleterious in nature, this alteration is interpreted as a disease-causing mutation (ACMG Recommendations for Standards for Interpretation and Reporting of Sequence Variations. Revision 2007. Genet Med. 2008;10:294).

NM_000551.4(VHL):c.358del (p.Arg120fs)

Genes: VHL (von Hippel-Lindau tumor suppressor; plus strand), LOC107303340 (3p25 von Hippel-Lindau tumor suppressor, E3 ubiquitin protein ligase Alu-mediated recombination region; plus strand). Cytogenetic location: 3p25.3.
Variant type: Deletion.
Coding change: c.358del on transcript NM_000551.4 (MANE Select); coding-DNA position 358, one base deleted (A; older notation c.358delA).
Protein change: p.Arg120fs; shifts the reading frame from arginine 120.
Molecular consequence: frameshift variant. On other transcripts: intron variant (2).
Genome position (GRCh38, 1-based): chr3:10,146,531, A deleted. VCF-style (leftmost placement, unchanged base first): chr3-10146530-CA-C. GRCh37 (hg19) VCF-style: chr3-10188214-CA-C.
Other names: c.*18-3256del (NM_001354723.2); c.341-3256del (NM_198156.3); c.358delA (NM_000551.3); short protein forms R120fs.
Identifiers: ClinVar variation 428798 (VCV000428798.5), dbSNP rs1131690956, ClinGen allele CA645369329.